The following is an entry in ClinVar:

ClinVar aggregate classification (germline): Uncertain significance. Review status: criteria provided, multiple submitters, no conflicts (2 of 4 stars). 4 submissions from 4 submitters: Uncertain significance (4). Last evaluated 2025-06-03.

Conditions:
Hypercholesterolemia, familial, 4 (FHCL4). Also called: HYPERCHOLESTEROLEMIA, AUTOSOMAL RECESSIVE, 1; HYPERCHOLESTEROLEMIA, AUTOSOMAL RECESSIVE, 2. Identifiers: Orphanet 391665, MedGen C1863512, MONDO:0011374, OMIM 603813.
Cardiovascular phenotype. Identifiers: MedGen CN230736.

Allele frequency attached by ClinVar (database versions not stated): gnomAD exomes 0.00002; gnomAD 0.00007 and 0.00009; TOPMed 0.00007; ESP Exome Variant Server 0.00008.
gnomAD v4.1: 36 of 1,613,900 alleles (0.0022%); highest among the groups gnomAD compares: African/African-American, 0.015%; no homozygotes.

Submissions (4):

Ambry Genetics
Classification: Uncertain significance for Cardiovascular phenotype. Last evaluated: 2025-06-03. Review status: criteria provided, single submitter. Criteria: Ambry Variant Classification Scheme 2023. Collection method: clinical testing. Allele origin: germline.

Genome-Nilou Lab
Classification: Uncertain significance for Hypercholesterolemia, familial, 4. Last evaluated: 2023-04-11. Review status: criteria provided, single submitter. Criteria: ACMG Guidelines, 2015. Collection method: clinical testing. Allele origin: germline. Affected: no.

Labcorp Genetics (formerly Invitae), Labcorp
Classification: Uncertain significance for Hypercholesterolemia, familial, 4. Last evaluated: 2021-10-28. Review status: criteria provided, single submitter. Criteria: Invitae Variant Classification Sherloc (09022015). Collection method: clinical testing. Allele origin: germline.
Comment: This sequence change replaces alanine, which is neutral and non-polar, with threonine, which is neutral and polar, at codon 69 of the LDLRAP1 protein (p.Ala69Thr). This variant is present in population databases (rs141635927, gnomAD 0.02%). This variant has not been reported in the literature in individuals affected with LDLRAP1-related conditions. Algorithms developed to predict the effect of missense changes on protein structure and function are either unavailable or do not agree on the potential impact of this missense change (SIFT: "Tolerated"; PolyPhen-2: "Probably Damaging"; Align-GVGD: "Class C0"). In summary, the available evidence is currently insufficient to determine the role of this variant in disease. Therefore, it has been classified as a Variant of Uncertain Significance.

Fulgent Genetics
Classification: Uncertain significance for Hypercholesterolemia, familial, 4. Last evaluated: 2021-08-13. Review status: criteria provided, single submitter. Criteria: ACMG Guidelines, 2015. Collection method: clinical testing. Allele origin: unknown.

NM_015627.3(LDLRAP1):c.205G>A (p.Ala69Thr)

Gene: LDLRAP1 (low density lipoprotein receptor adaptor protein 1; plus strand). Cytogenetic location: 1p36.11.
Variant type: single nucleotide variant.
Coding change: c.205G>A on transcript NM_015627.3 (MANE Select); coding-DNA position 205, G replaced by A.
Protein change: p.Ala69Thr; replaces alanine 69 with threonine.
Molecular consequence: missense variant.
Genome position (GRCh38, 1-based): chr1:25,554,038, G>A. VCF-style: chr1-25554038-G-A. GRCh37 (hg19) VCF-style: chr1-25880529-G-A.
Other names: c.205G>A (NM_015627.2); short protein forms A69T.
Identifiers: ClinVar variation 1505845 (VCV001505845.6), dbSNP rs141635927, ClinGen allele CA695458.